The following is an entry in ClinVar:

NM_001844.5(COL2A1):c.3827G>A (p.Arg1276His)

Gene: COL2A1 (collagen type II alpha 1 chain; minus strand). Cytogenetic location: 12q13.11.
Variant type: single nucleotide variant.
Coding change: c.3827G>A on transcript NM_001844.5 (MANE Select); coding-DNA position 3827, G replaced by A.
Protein change: p.Arg1276His; replaces arginine 1276 with histidine.
Molecular consequence: missense variant.
Genome position (GRCh38, 1-based): chr12:47,975,376, C>T on the plus strand (G>A on the coding strand, the complement: COL2A1 is on the minus strand). VCF-style: chr12-47975376-C-T. GRCh37 (hg19) VCF-style: chr12-48369159-C-T.
Other names: c.3620G>A, p.Arg1207His (NM_033150.3); short protein forms R1276H, R1207H.
Identifiers: ClinVar variation 957243 (VCV000957243.13), dbSNP rs142168567, ClinGen allele CA6534632.

ClinVar aggregate classification (germline): Conflicting classifications of pathogenicity. Review status: criteria provided, conflicting classifications (1 of 4 stars). 5 submissions from 5 submitters: Uncertain significance (3); Benign (1); Likely benign (1). Last evaluated 2026-09-14.

Conditions:
COL2A1-related disorder. Also called: COL2A1-related condition; COL2A1-related disorders.

Allele frequency attached by ClinVar (database versions not stated): TOPMed 0.00025; ESP Exome Variant Server 0.00015.
gnomAD v4.1: 74 of 1,614,044 alleles (0.0046%); highest among the groups gnomAD compares: African/African-American, 0.056%; no homozygotes.

Submissions (5):

PreventionGenetics, part of Exact Sciences
Classification: Uncertain significance for COL2A1-related condition. Last evaluated: 2026-09-14. Review status: criteria provided, single submitter. Criteria: ACMG Guidelines, 2015. Collection method: clinical testing. Allele origin: germline.
Comment: The COL2A1 c.3827G>A variant is predicted to result in the amino acid substitution p.Arg1276His. To our knowledge, this variant has not been reported in the literature. This variant is reported in 0.044% of alleles in individuals of African descent in gnomAD, which may be too frequent to be a primary cause of disease. Although we suspect that this variant may be benign, at this time, the clinical significance of this variant is uncertain due to the absence of conclusive functional and genetic evidence.

Labcorp Genetics (formerly Invitae), Labcorp
Classification: Benign. Last evaluated: 2026-01-14. Review status: criteria provided, single submitter. Criteria: Invitae Variant Classification Sherloc (09022015). Collection method: clinical testing. Allele origin: germline.

GeneDx
Classification: Uncertain significance. Last evaluated: 2025-03-14. Review status: criteria provided, single submitter. Criteria: GeneDx Variant Classification Process June 2021. Collection method: clinical testing. Allele origin: germline. Affected: yes.
Comment: Has not been previously published as pathogenic or benign to our knowledge; In silico analysis supports that this missense variant has a deleterious effect on protein structure/function; Not located in the triple helical region, where the majority of pathogenic missense variants occur (HGMD)

Blueprint Genetics
Classification: Likely benign. Last evaluated: 2024-05-30. Review status: criteria provided, single submitter. Criteria: ACMG Guidelines, 2015. Collection method: clinical testing. Allele origin: germline.

ARUP Laboratories, Molecular Genetics and Genomics, ARUP Laboratories
Classification: Uncertain significance. Last evaluated: 2023-06-01. Review status: criteria provided, single submitter. Criteria: ARUP Molecular Germline Variant Investigation Process 2024. Collection method: clinical testing. Allele origin: germline.
Comment: The COL2A1 c c.3827G>A; p.Arg1276His variant (rs142168567), to our knowledge, is not reported in the medical literature but is reported in ClinVar (Variation ID: 957243). This variant is found in the African/African-American population with an allele frequency of 0.0441% (11/24,952 alleles) in the Genome Aggregation Database. Computational analyses are uncertain whether this variant is neutral or deleterious (REVEL: 0.491). Due to limited information, the clinical significance of this variant is uncertain at this time.